The following is an entry in ClinVar:

NM_004415.4(DSP):c.8236A>G (p.Ser2746Gly)

Gene: DSP (desmoplakin; plus strand). Cytogenetic location: 6p24.3.
Variant type: single nucleotide variant.
Coding change: c.8236A>G on transcript NM_004415.4 (MANE Select); coding-DNA position 8236, A replaced by G.
Protein change: p.Ser2746Gly; replaces serine 2746 with glycine.
Molecular consequence: missense variant.
Genome position (GRCh38, 1-based): chr6:7,585,498, A>G. VCF-style: chr6-7585498-A-G. GRCh37 (hg19) VCF-style: chr6-7585731-A-G.
Other names: c.6439A>G, p.Ser2147Gly (NM_001008844.3); c.6907A>G, p.Ser2303Gly (NM_001319034.2); short protein forms S2147G, S2303G, S2746G.
Identifiers: ClinVar variation 4975843 (VCV004975843.1).

ClinVar aggregate classification (germline): Uncertain significance (1 of 4 stars; one submission).

Submission:

GeneDx
Classification: Uncertain significance. Last evaluated: 2026-02-03. Review status: criteria provided, single submitter. Criteria: GeneDx Variant Classification Process June 2021. Collection method: clinical testing. Allele origin: germline.
Comment: Not observed at significant frequency in large population cohorts (gnomAD); In silico analysis supports that this missense variant has a deleterious effect on protein structure/function; Has not been previously published as pathogenic or benign to our knowledge